The following is an entry in ClinVar:

ClinVar aggregate classification (germline): Pathogenic. Review status: criteria provided, multiple submitters, no conflicts (2 of 4 stars). 8 submissions from 8 submitters: Pathogenic (7). 1 of the submissions does not count toward it. Last evaluated 2026-05-05.

Conditions:
NLRP7-related disorder. Also called: NLRP7-related condition.
Inborn genetic diseases. Identifiers: MedGen C0950123, MeSH D030342.
Hydatidiform mole, recurrent, 1 (HYDM1). Identifiers: Orphanet 254688, Orphanet 99927, MedGen C3463897, MONDO:0009273, OMIM 231090. Disease mechanism: loss of function.

Allele frequency attached by ClinVar (database versions not stated): gnomAD 0.00009 and 0.00010; 1000 Genomes Project 30x 0.00016; 1000 Genomes Project 0.00020; TOPMed 0.00028; ExAC 0.00048; gnomAD exomes 0.00053.
gnomAD v4.1: 164 of 1,614,026 alleles (0.01%); highest among the groups gnomAD compares: Admixed American, 0.27%; no homozygotes.

Submissions (8):

Ambry Genetics
Classification: Pathogenic for Inborn genetic diseases. Last evaluated: 2026-05-05. Review status: criteria provided, single submitter. Criteria: Ambry Variant Classification Scheme 2023. Collection method: clinical testing. Allele origin: germline.
Comment: The c.2248C>G (p.L750V) alteration is located in exon 6 (coding exon 5) of the NLRP7 gene. This alteration results from a C to G substitution at nucleotide position 2248, causing the leucine (L) at amino acid position 750 to be replaced by a valine (V). Based on data from gnomAD, the G allele has an overall frequency of 0.048% (136/282806) total alleles studied. The highest observed frequency was 0.381% (135/35430) of Latino alleles. This variant has been identified in the homozygous state and/or in conjunction with other NLRP7 variant(s) in individual(s) with features consistent with NLRP7-related hydatidiform mole; in at least one instance, the variants were identified in trans (Kou, 2008; Deveault, 2009; Estrada, 2013; Mahadevan, 2013; Reddy, 2016; Aguinaga, 2021; Kopelman, 2021). This amino acid position is well conserved in available vertebrate species. This alteration is predicted to be tolerated by in silico analysis. Based on the available evidence, this alteration is classified as pathogenic.

PreventionGenetics, part of Exact Sciences
Classification: Pathogenic for NLRP7-related condition. Last evaluated: 2025-08-08. Review status: criteria provided, single submitter. Criteria: ACMG Guidelines, 2015. Collection method: clinical testing. Allele origin: germline.
Comment: The NLRP7 c.2248C>G variant is predicted to result in the amino acid substitution p.Leu750Val. This variant has been reported in both homozygous and compound heterozygous individuals with recurrent hydatidiform mole (Aguinaga et al. 2021. PubMed ID: 33751332; Estrada et al 2013. PubMed ID: 23354651; Kou et al 2008. PubMed ID: 18039680; Messaed et al 2011. PubMed ID: 21659348; Deveault et al. 2009. PubMed ID: 19066229). Estrada et al. reports that the p.Leu750Val variant is not associated with recurrent pregnancy loss, however no unaffected homozygous individuals with the p.Leu759Val variant were found. Together we classify the c.2248C>G (p.Leu750Val) variant as pathogenic.

GeneDx
Classification: Pathogenic. Last evaluated: 2025-07-28. Review status: criteria provided, single submitter. Criteria: GeneDx Variant Classification Process June 2021. Collection method: clinical testing. Allele origin: germline. Affected: yes.
Comment: In silico analysis suggests that this missense variant does not alter protein structure/function; This variant is associated with the following publications: (PMID: 23354651, 26956250, 24105752, 18039680, 19066229, 21659348, 33583041, 34189227, 33751332, 37069982, 36936581, 35451369, 38137915, 39201425, 35842788)

3billion
Classification: Pathogenic for Hydatidiform mole, recurrent, 1. Last evaluated: 2024-10-29. Review status: criteria provided, single submitter. Criteria: ACMG Guidelines, 2015. Collection method: clinical testing. Allele origin: germline. Affected: yes.
Comment: The variant is observed at an extremely low frequency in the gnomAD v4.1.0 dataset (total allele frequency: 0.010%). Predicted Consequence/Location: Missense variant In silico tool predictions suggest damaging effect of the variant on gene or gene product [REVEL: 0.24 (>=0.6, sensitivity 0.68 and specificity 0.92); 3Cnet: 0.70 (>=0.6, sensitivity 0.72 and precision 0.9)]. The same nucleotide change resulting in the same amino acid change has been previously reported as pathogenic/likely pathogenic with strong evidence (ClinVar ID: VCV000097750 /PMID: 18039680). The variant has been reported to be in trans with a pathogenic variant as either compound heterozygous or homozygous in at least 2 similarly affected unrelated individuals (PMID: 18039680, 23354651). Therefore, this variant is classified as Pathogenic according to the recommendation of ACMG/AMP guideline.

Blueprint Genetics
Classification: Pathogenic for NLRP7-related disorders. Last evaluated: 2022-09-15. Review status: criteria provided, single submitter. Criteria: ACMG Guidelines, 2015. Collection method: clinical testing. Allele origin: germline. Affected: yes. Observed: 5 variant alleles.

Labcorp Genetics (formerly Invitae), Labcorp
Classification: Pathogenic. Last evaluated: 2019-03-13. Review status: criteria provided, single submitter. Criteria: Invitae Variant Classification Sherloc (09022015). Collection method: clinical testing. Allele origin: germline.
Comment: For these reasons, this variant has been classified as Pathogenic. Algorithms developed to predict the effect of sequence changes on RNA splicing suggest that this variant may create or strengthen a splice site, but this prediction has not been confirmed by published transcriptional studies. Algorithms developed to predict the effect of missense changes on protein structure and function (SIFT, PolyPhen-2, Align-GVGD) all suggest that this variant is likely to be tolerated, but these predictions have not been confirmed by published functional studies and their clinical significance is uncertain. This variant has been observed in multiple individuals affected with autosomal recessive familial recurrent hydatidiform mole 1 (PMID: 18039680, 26956250, 19066229, 23354651) and it is found at high frequency in control individuals of Mexican descent (PMID: 23354651). ClinVar contains an entry for this variant (Variation ID: 97750). This variant is present in population databases (rs104895512, ExAC 0.5%), and has an allele count higher than expected for a pathogenic variant (PMID: 28166811). This sequence change replaces leucine with valine at codon 750 of the NLRP7 protein (p.Leu750Val). The leucine residue is moderately conserved and there is a small physicochemical difference between leucine and valine.

Illumina Laboratory Services, Illumina
Classification: Pathogenic for Hydatidiform mole, recurrent, 1. Last evaluated: 2018-08-29. Review status: criteria provided, single submitter. Criteria: ICSL Variant Classification Criteria 09 May 2019. Collection method: clinical testing. Allele origin: germline.
Comment: The NLRP7 c.2248C>G (p.Leu750Val) variant has been reported three studies and is found in a total of 21 probands with recurrent hydatidiform mole including 15 in a homozygous state, six in a compound heterozygous state, and at least five in a heterozygous state (Kou et al. 2008; Deveault et al. 2009; Estrada et al. 2013). One of the homozygous probands had unaffected parents and sister that were heterozygous for the p.Leu750Val variant (Deveault et al. 2009). The p.Leu750Val variant was reported in five of 460 control chromosomes and is reported at a frequency of 0.005023 in the Latino population of the Exome Aggregation Consortium. Based on the collective evidence, the p.Leu750Val is classified as pathogenic for hydatidiform mole. This variant was observed by ICSL as part of a predisposition screen in an ostensibly healthy population.

Unité médicale des maladies autoinflammatoires, CHRU Montpellier
No classification provided. Condition: Hydatidiform mole. Review status: no classification provided. Collection method: not provided. Allele origin: unknown. Not counted in ClinVar's aggregate classification.

Literature cited by the submitters: PubMed 18039680 (cited by 4 submitters); PubMed 19066229 (cited by 3 submitters); PubMed 23354651 (cited by 4 submitters); PubMed 24105752 (cited by Ambry Genetics); PubMed 26956250 (cited by Ambry Genetics and Labcorp Genetics (formerly Invitae), Labcorp); PubMed 33751332 (cited by Ambry Genetics); PubMed 34189227 (cited by Ambry Genetics); PubMed 28166811 (cited by Labcorp Genetics (formerly Invitae), Labcorp).

NM_001127255.2(NLRP7):c.2248C>G (p.Leu750Val)

Genes: NCR1 (natural cytotoxicity triggering receptor 1), NLRP7 (NLR family pyrin domain containing 7; minus strand). Cytogenetic location: 19q13.42.
Variant type: single nucleotide variant.
Coding change: c.2248C>G on transcript NM_001127255.2 (MANE Select); coding-DNA position 2248, C replaced by G.
Protein change: p.Leu750Val; replaces leucine 750 with valine.
Molecular consequence: missense variant.
Genome position (GRCh38, 1-based): chr19:54,936,313, G>C on the plus strand (C>G on the coding strand, the complement: NLRP7 is on the minus strand). VCF-style: chr19-54936313-G-C. GRCh37 (hg19) VCF-style: chr19-55447681-G-C.
Other names: c.2248C>G, p.Leu750Val (NM_001405531.1, NM_206828.4); c.2164C>G, p.Leu722Val (NM_139176.4); short protein forms L750V, L722V.
Identifiers: ClinVar variation 97750 (VCV000097750.20), dbSNP rs104895512, ClinGen allele CA150027.